The following is an entry in ClinVar:

ClinVar aggregate classification (germline): Benign. Review status: criteria provided, multiple submitters, no conflicts (2 of 4 stars). 3 submissions from 3 submitters: Benign (3). Last evaluated 2026-01-31.

Allele frequency attached by ClinVar (database versions not stated): gnomAD exomes 0.00048; ExAC 0.00057; 1000 Genomes Project 0.00140; 1000 Genomes Project 30x 0.00172; gnomAD 0.00204 and 0.00232; ESP Exome Variant Server 0.00238; TOPMed 0.00257.
gnomAD v4.1: 625 of 1,613,320 alleles (0.039%); highest among the groups gnomAD compares: African/African-American, 0.74%; 3 homozygotes.

Submissions (3):

Labcorp Genetics (formerly Invitae), Labcorp
Classification: Benign. Last evaluated: 2026-01-31. Review status: criteria provided, single submitter. Criteria: Invitae Variant Classification Sherloc (09022015). Collection method: clinical testing. Allele origin: germline.

CeGaT Center for Human Genetics Tuebingen
Classification: Benign. Last evaluated: 2025-10-01. Review status: criteria provided, single submitter. Criteria: CeGaT Center For Human Genetics Tuebingen Variant Classification Criteria Version 2. Collection method: clinical testing. Allele origin: germline. Affected: yes. Observed: 1 variant allele.
Comment: PPP2R1A: BP4, BS1, BS2

Breakthrough Genomics
Classification: Benign. Review status: criteria provided, single submitter. Criteria: ACMG Guidelines, 2015. Collection method: not provided. Allele origin: germline. Inheritance: Autosomal dominant inheritance. Affected: yes.

NM_014225.6(PPP2R1A):c.1363+8C>G

Gene: PPP2R1A (protein phosphatase 2 scaffold subunit Aalpha; plus strand). Cytogenetic location: 19q13.41.
Variant type: single nucleotide variant.
Coding change: c.1363+8C>G on transcript NM_014225.6 (MANE Select); 8 bases into the intron after coding-DNA position 1363, C replaced by G.
Molecular consequence: intron variant.
Genome position (GRCh38, 1-based): chr19:52,220,257, C>G. VCF-style: chr19-52220257-C-G. GRCh37 (hg19) VCF-style: chr19-52723510-C-G.
Other names: c.826+8C>G (NM_001363656.2).
Identifiers: ClinVar variation 723609 (VCV000723609.16), dbSNP rs187419001, ClinGen allele CA9621568.